The following is an entry in ClinVar:

ClinVar aggregate classification (germline): Uncertain significance (1 of 4 stars; one submission).

Conditions:
Long QT syndrome (LQTS). Identifiers: MedGen C0023976, MeSH D008133, MONDO:0002442. Disease mechanism: loss of function. Inheritance: Various modes of inheritance.

gnomAD v4.1: 1 of 1,614,106 alleles (0.000062%); highest among the groups gnomAD compares: Non-Finnish European, 0.000085%; no homozygotes.

Submission:

Labcorp Genetics (formerly Invitae), Labcorp
Classification: Uncertain significance for Long QT syndrome. Last evaluated: 2024-03-28. Review status: criteria provided, single submitter. Criteria: Invitae Variant Classification Sherloc (09022015). Collection method: clinical testing. Allele origin: germline.
Comment: This sequence change replaces serine, which is neutral and polar, with tyrosine, which is neutral and polar, at codon 143 of the KCNQ1 protein (p.Ser143Tyr). This variant is present in population databases (no rsID available, gnomAD 0.0009%). This variant has not been reported in the literature in individuals affected with KCNQ1-related conditions. Advanced modeling of protein sequence and biophysical properties (such as structural, functional, and spatial information, amino acid conservation, physicochemical variation, residue mobility, and thermodynamic stability) performed at Invitae indicates that this missense variant is expected to disrupt KCNQ1 protein function with a positive predictive value of 95%. Experimental studies have shown that this missense change affects KCNQ1 function (PMID: 21152909). In summary, the available evidence is currently insufficient to determine the role of this variant in disease. Therefore, it has been classified as a Variant of Uncertain Significance.

Literature cited by the submitters: PubMed 21152909.

NM_000218.3(KCNQ1):c.428C>A (p.Ser143Tyr)

Gene: KCNQ1 (potassium voltage-gated channel subfamily Q member 1; plus strand). Cytogenetic location: 11p15.5.
Variant type: single nucleotide variant.
Coding change: c.428C>A on transcript NM_000218.3 (MANE Select); coding-DNA position 428, C replaced by A.
Protein change: p.Ser143Tyr; replaces serine 143 with tyrosine.
Molecular consequence: missense variant.
Genome position (GRCh38, 1-based): chr11:2,527,969, C>A. VCF-style: chr11-2527969-C-A. GRCh37 (hg19) VCF-style: chr11-2549199-C-A.
Other names: c.428C>A, p.Ser143Tyr (NM_001406836.1, NM_001406838.1); c.158C>A, p.Ser53Tyr (NM_001406837.1); c.47C>A, p.Ser16Tyr (NM_181798.2); short protein forms S143Y, S16Y, S53Y.
Identifiers: ClinVar variation 3647951 (VCV003647951.2).
Genomic context (GRCh38, chr11:2,527,969, plus strand): 5'-CCGTGTCCCTGTCTTGCAGCTTCCTCATCGTCCTGGTCTGCCTCATCTTCAGCGTGCTGT[C>A]CACCATCGAGCAGTATGCCGCCCTGGCCACGGGGACTCTCTTCTGGATGGTACGTAGCAT-3'
Protein context (NP_000209.2, residues 133-153): VLVCLIFSVL[Ser143Tyr]TIEQYAALAT